The following is an entry in ClinVar:

NM_000097.7(CPOX):c.33C>T (p.Gly11=)

Genes: CPOX (coproporphyrinogen oxidase; minus strand), LOC129937121 (ATAC-STARR-seq lymphoblastoid silent region 14560; plus strand). Cytogenetic location: 3q11.2.
Variant type: single nucleotide variant.
Coding change: c.33C>T on transcript NM_000097.7 (MANE Select); coding-DNA position 33, C replaced by T.
Protein change: p.Gly11=; no amino-acid change (glycine 11 retained).
Molecular consequence: synonymous variant.
Genome position (GRCh38, 1-based): chr3:98,593,472, G>A on the plus strand (C>T on the coding strand, the complement: CPOX is on the minus strand). VCF-style: chr3-98593472-G-A. GRCh37 (hg19) VCF-style: chr3-98312316-G-A.
Other names: p.Gly11=; c.33C>T, p.Gly11= (LRG_1077t1).
Identifiers: ClinVar variation 346996 (VCV000346996.15), dbSNP rs60690253, ClinGen allele CA2511762.

ClinVar aggregate classification (germline): Benign. Review status: criteria provided, multiple submitters, no conflicts (2 of 4 stars). 5 submissions from 5 submitters: Benign (5). Last evaluated 2026-02-01.

Conditions:
Hereditary coproporphyria (HCP). Also called: Hereditary coproporphyria porphyria; Porphyria hepatica coproporphyria; Porphyria hepatica II; CPRO deficiency; COPROPORPHYRINOGEN OXIDASE DEFICIENCY; CPO DEFICIENCY. Identifiers: Orphanet 79273, MedGen C0162531, MONDO:0007369, OMIM 121300.

Allele frequency attached by ClinVar (database versions not stated): ExAC 0.02453; ESP Exome Variant Server 0.03443; gnomAD 0.05627 and 0.05919; 1000 Genomes Project 0.06310; TOPMed 0.06355; 1000 Genomes Project 30x 0.06668.
gnomAD v4.1: 31,480 of 1,513,478 alleles (2.1%); highest among the groups gnomAD compares: African/African-American, 16%; 1,195 homozygotes.

Submissions (5):

Labcorp Genetics (formerly Invitae), Labcorp
Classification: Benign. Last evaluated: 2026-02-01. Review status: criteria provided, single submitter. Criteria: Invitae Variant Classification Sherloc (09022015). Collection method: clinical testing. Allele origin: germline.

Mayo Clinic Laboratories, Mayo Clinic
Classification: Benign. Last evaluated: 2022-02-28. Review status: criteria provided, single submitter. Criteria: ACMG Guidelines, 2015. Collection method: clinical testing. Allele origin: germline. Observed: 88 variant alleles.

GeneDx
Classification: Benign. Last evaluated: 2021-06-09. Review status: criteria provided, single submitter. Criteria: GeneDx Variant Classification Process June 2021. Collection method: clinical testing. Allele origin: germline. Affected: yes.

Illumina Laboratory Services, Illumina
Classification: Benign for Hereditary coproporphyria. Last evaluated: 2018-01-12. Review status: criteria provided, single submitter. Criteria: ICSL Variant Classification Criteria 13 December 2019. Collection method: clinical testing. Allele origin: germline.
Comment: This variant was observed in the ICSL laboratory as part of a predisposition screen in an ostensibly healthy population. It had not been previously curated by ICSL or reported in the Human Gene Mutation Database (HGMD: prior to June 1st, 2018), and was therefore a candidate for classification through an automated scoring system. Utilizing variant allele frequency, disease prevalence and penetrance estimates, and inheritance mode, an automated score was calculated to assess if this variant is too frequent to cause the disease. Based on the score and internal cut-off values, a variant classified as benign is not then subjected to further curation. The score for this variant resulted in a classification of benign for this disease.

Breakthrough Genomics
Classification: Benign. Review status: criteria provided, single submitter. Criteria: ACMG Guidelines, 2015. Collection method: not provided. Allele origin: germline. Inheritance: Autosomal recessive inheritance. Affected: yes.